The following is an entry in ClinVar:

NM_001197104.2(KMT2A):c.10334C>G (p.Pro3445Arg)

Gene: KMT2A (lysine methyltransferase 2A; plus strand). Cytogenetic location: 11q23.3.
Variant type: single nucleotide variant.
Coding change: c.10334C>G on transcript NM_001197104.2 (MANE Select); coding-DNA position 10334, C replaced by G.
Protein change: p.Pro3445Arg; replaces proline 3445 with arginine.
Molecular consequence: missense variant.
Genome position (GRCh38, 1-based): chr11:118,506,226, C>G. VCF-style: chr11-118506226-C-G. GRCh37 (hg19) VCF-style: chr11-118376941-C-G.
Other names: c.10424C>G, p.Pro3475Arg (NM_001412597.1); c.10325C>G, p.Pro3442Arg (NM_005933.4); short protein forms P3442R, P3445R, P3475R.
Identifiers: ClinVar variation 3634357 (VCV003634357.2).

ClinVar aggregate classification (germline): Uncertain significance (1 of 4 stars; one submission).

Submission:

Labcorp Genetics (formerly Invitae), Labcorp
Classification: Uncertain significance. Last evaluated: 2024-11-30. Review status: criteria provided, single submitter. Criteria: Invitae Variant Classification Sherloc (09022015). Collection method: clinical testing. Allele origin: germline.
Comment: This sequence change replaces proline, which is neutral and non-polar, with arginine, which is basic and polar, at codon 3445 of the KMT2A protein (p.Pro3445Arg). This variant is not present in population databases (gnomAD no frequency). This variant has not been reported in the literature in individuals affected with KMT2A-related conditions. Invitae Evidence Modeling of protein sequence and biophysical properties (such as structural, functional, and spatial information, amino acid conservation, physicochemical variation, residue mobility, and thermodynamic stability) indicates that this missense variant is not expected to disrupt KMT2A protein function with a negative predictive value of 95%. In summary, the available evidence is currently insufficient to determine the role of this variant in disease. Therefore, it has been classified as a Variant of Uncertain Significance.